The following is an entry in ClinVar:

ClinVar aggregate classification (germline): Uncertain significance. Review status: criteria provided, multiple submitters, no conflicts (2 of 4 stars). 3 submissions from 3 submitters: Uncertain significance (3). Last evaluated 2024-08-08.

Conditions:
VPS13A-related neurodegenerative disease. Also called: VPS13A Disease; Choreaacanthocytosis; Chorea-acanthocytosis; LEVINE-CRITCHLEY SYNDROME; Choreoacanthocytosis; ACANTHOCYTOSIS WITH NEUROLOGIC DISORDER. Identifiers: Orphanet 2388, MedGen C0393576, MONDO:0008695, OMIM 200150.

Allele frequency attached by ClinVar (database versions not stated): gnomAD 0.00007 and 0.00008; gnomAD exomes 0.00010 and 0.00011; ExAC 0.00012; TOPMed 0.00013; 1000 Genomes Project 30x 0.00016; 1000 Genomes Project 0.00020.

Submissions (3):

GeneDx
Classification: Uncertain significance. Last evaluated: 2024-08-08. Review status: criteria provided, single submitter. Criteria: GeneDx Variant Classification Process June 2021. Collection method: clinical testing. Allele origin: germline. Affected: yes.
Comment: In silico analysis indicates that this missense variant does not alter protein structure/function; Has not been previously published as pathogenic or benign to our knowledge

Revvity Omics, Revvity
Classification: Uncertain significance for VPS13A-related neurodegenerative disease. Last evaluated: 2021-12-28. Review status: criteria provided, single submitter. Criteria: ACMG Guidelines, 2015. Collection method: clinical testing. Allele origin: germline.

Illumina Laboratory Services, Illumina
Classification: Uncertain significance for VPS13A-related neurodegenerative disease. Last evaluated: 2018-01-13. Review status: criteria provided, single submitter. Criteria: ICSL Variant Classification Criteria 13 December 2019. Collection method: clinical testing. Allele origin: germline.

NM_033305.3(VPS13A):c.9128A>G (p.Asn3043Ser)

Gene: VPS13A (vacuolar protein sorting 13 homolog A; plus strand). Cytogenetic location: 9q21.2.
Variant type: single nucleotide variant.
Coding change: c.9128A>G on transcript NM_033305.3 (MANE Select); coding-DNA position 9128, A replaced by G.
Protein change: p.Asn3043Ser; replaces asparagine 3043 with serine.
Molecular consequence: missense variant.
Genome position (GRCh38, 1-based): chr9:77,382,026, A>G. VCF-style: chr9-77382026-A-G. GRCh37 (hg19) VCF-style: chr9-79996942-A-G.
Other names: c.9011A>G, p.Asn3004Ser (NM_001018037.2); c.9128A>G, p.Asn3043Ser (NM_001018038.3, NM_015186.4); short protein forms N3004S, N3043S.
Identifiers: ClinVar variation 915253 (VCV000915253.7), dbSNP rs200755494, ClinGen allele CA5093878.